The following is an entry in ClinVar:

NM_000238.4(KCNH2):c.681C>A (p.Pro227=)

Gene: KCNH2 (potassium voltage-gated channel subfamily H member 2; minus strand). Cytogenetic location: 7q36.1.
Variant type: single nucleotide variant.
Coding change: c.681C>A on transcript NM_000238.4 (MANE Select); coding-DNA position 681, C replaced by A.
Protein change: p.Pro227=; no amino-acid change (proline 227 retained).
Molecular consequence: synonymous variant. On other transcripts: non-coding transcript variant (1).
Genome position (GRCh38, 1-based): chr7:150,958,294, G>T on the plus strand (C>A on the coding strand, the complement: KCNH2 is on the minus strand). VCF-style: chr7-150958294-G-T. GRCh37 (hg19) VCF-style: chr7-150655382-G-T.
Other names: c.393C>A, p.Pro131= (NM_001406753.1, NM_001406756.1); c.504C>A, p.Pro168= (NM_001406755.1); c.381C>A, p.Pro127= (NM_001406757.1); c.681C>A, p.Pro227= (NM_172056.3).
Identifiers: ClinVar variation 516032 (VCV000516032.6), dbSNP rs1554427841, ClinGen allele CA458872307.

ClinVar aggregate classification (germline): Likely benign. Review status: criteria provided, multiple submitters, no conflicts (2 of 4 stars). 2 submissions from 2 submitters: Likely benign (2). Last evaluated 2025-01-23.

Conditions:
Long QT syndrome (LQTS). Identifiers: MedGen C0023976, MeSH D008133, MONDO:0002442. Disease mechanism: loss of function. Inheritance: Various modes of inheritance.

Submissions (2):

Labcorp Genetics (formerly Invitae), Labcorp
Classification: Likely benign for Long QT syndrome. Last evaluated: 2025-01-23. Review status: criteria provided, single submitter. Criteria: Invitae Variant Classification Sherloc (09022015). Collection method: clinical testing. Allele origin: germline.

GeneDx
Classification: Likely benign. Last evaluated: 2018-03-13. Review status: criteria provided, single submitter. Criteria: GeneDx Variant Classification (06012015). Collection method: clinical testing. Allele origin: germline. Affected: yes.
Comment: This variant is considered likely benign or benign based on one or more of the following criteria: it is a conservative change, it occurs at a poorly conserved position in the protein, it is predicted to be benign by multiple in silico algorithms, and/or has population frequency not consistent with disease.